The following is an entry in ClinVar:

ClinVar aggregate classification (germline): Uncertain significance (1 of 4 stars; one submission).

Conditions:
CHARGE syndrome (CHARGE). Also called: Hittner Hirsch Kreh syndrome; CHARGE ASSOCIATION--COLOBOMA, HEART ANOMALY, CHOANAL ATRESIA, RETARDATION, GENITAL AND EAR ANOMALIES; Coloboma, heart anomaly, choanal atresia, retardation, genital and ear anomalies; CHARGE association; Hall-Hittner syndrome. Identifiers: Orphanet 138, MedGen C0265354, MONDO:0008965.

gnomAD v4.1: 4 of 1,612,826 alleles (0.00025%); highest among the groups gnomAD compares: Non-Finnish European, 0.00034%; no homozygotes.

Submission:

Labcorp Genetics (formerly Invitae), Labcorp
Classification: Uncertain significance for CHARGE syndrome. Last evaluated: 2024-12-12. Review status: criteria provided, single submitter. Criteria: Invitae Variant Classification Sherloc (09022015). Collection method: clinical testing. Allele origin: germline.
Comment: This sequence change replaces serine, which is neutral and polar, with phenylalanine, which is neutral and non-polar, at codon 347 of the SEMA3E protein (p.Ser347Phe). This variant is present in population databases (no rsID available, gnomAD 0.0009%). This variant has not been reported in the literature in individuals affected with SEMA3E-related conditions. Invitae Evidence Modeling of protein sequence and biophysical properties (such as structural, functional, and spatial information, amino acid conservation, physicochemical variation, residue mobility, and thermodynamic stability) has been performed for this missense variant. However, the output from this modeling did not meet the statistical confidence thresholds required to predict the impact of this variant on SEMA3E protein function. In summary, the available evidence is currently insufficient to determine the role of this variant in disease. Therefore, it has been classified as a Variant of Uncertain Significance.

NM_012431.3(SEMA3E):c.1040C>T (p.Ser347Phe)

Gene: SEMA3E (semaphorin 3E; minus strand). Cytogenetic location: 7q21.11.
Variant type: single nucleotide variant.
Coding change: c.1040C>T on transcript NM_012431.3 (MANE Select); coding-DNA position 1040, C replaced by T.
Protein change: p.Ser347Phe; replaces serine 347 with phenylalanine.
Molecular consequence: missense variant.
Genome position (GRCh38, 1-based): chr7:83,402,735, G>A on the plus strand (C>T on the coding strand, the complement: SEMA3E is on the minus strand). VCF-style: chr7-83402735-G-A. GRCh37 (hg19) VCF-style: chr7-83032051-G-A.
Other names: c.860C>T, p.Ser287Phe (NM_001178129.2); short protein forms S347F, S287F.
Identifiers: ClinVar variation 3730441 (VCV003730441.2).
Genomic context (GRCh38, chr7:83,402,735, plus strand): 5'-CAGTGGTATTCAGGTCCTTCCTTATGTGCATATGGTCCGTTGAAGGCTGCCCGAATGCTA[G>A]ACATGTGATAGACACATATAGCATGCCCTCGAAAAATATTACTGAAAAATACAAAAAAGA-3'
Protein context (NP_036563.1, residues 337-357): RGHAICVYHM[Ser347Phe]SIRAAFNGPY